The following is an entry in ClinVar:

NM_000038.6(APC):c.934-667C>G

Gene: APC (APC regulator of WNT signaling pathway; plus strand). Cytogenetic location: 5q22.2.
Variant type: single nucleotide variant.
Coding change: c.934-667C>G on transcript NM_000038.6 (MANE Select); 667 bases into the intron before coding-DNA position 934, C replaced by G.
Molecular consequence: intron variant.
Genome position (GRCh38, 1-based): chr5:112,818,299, C>G. VCF-style: chr5-112818299-C-G. GRCh37 (hg19) VCF-style: chr5-112153996-C-G.
Other names: c.934-667C>G (NM_001354895.2, NM_001127510.3, NM_001354896.2); c.964-667C>G (NM_001354897.2); c.964-970C>G (NM_001354902.2); c.880-667C>G (NM_001127511.3); c.859-667C>G (NM_001354898.2); c.859-970C>G (NM_001354904.2); c.85-667C>G (NM_001354906.2); c.934-970C>G (NM_001354903.2); and 3 more.
Identifiers: ClinVar variation 83118 (VCV000083118.2), dbSNP rs563556, ClinGen allele CA015932.

ClinVar aggregate classification (germline): other (0 of 4 stars; one submission).

Conditions:
Familial colorectal cancer. Identifiers: MedGen CN280943, MONDO:0023113. Disease mechanism: loss of function.

Allele frequency attached by ClinVar (database versions not stated): gnomAD 0.64913 and 0.65620; TOPMed 0.67223; 1000 Genomes Project 30x 0.73329; 1000 Genomes Project 0.73722.
gnomAD v4.1: 99,780 of 152,086 alleles (66%); highest among the groups gnomAD compares: East Asian, 90%; 33,137 homozygotes.

Submission:

Systems Biology Platform Zhejiang California International NanoSystems Institute
Classification: other for Familial colorectal cancer. Review status: no assertion criteria provided. Collection method: not provided. Allele origin: unknown.
ClinVar note: Converted during submission from cancer to other.